The following is an entry in ClinVar:

ClinVar aggregate classification (germline): Uncertain significance (1 of 4 stars; one submission).

Conditions:
DOCK2 deficiency. Also called: Immunodeficiency 40. Identifiers: Orphanet 447737, MedGen C4225328, MONDO:0014637, OMIM 616433.

Submission:

Labcorp Genetics (formerly Invitae), Labcorp
Classification: Uncertain significance for DOCK2 deficiency. Last evaluated: 2021-10-04. Review status: criteria provided, single submitter. Criteria: Invitae Variant Classification Sherloc (09022015). Collection method: clinical testing. Allele origin: germline.
Comment: This variant is not present in population databases (ExAC no frequency). This sequence change replaces aspartic acid with glutamic acid at codon 1794 of the DOCK2 protein (p.Asp1794Glu). The aspartic acid residue is weakly conserved and there is a small physicochemical difference between aspartic acid and glutamic acid. This variant has not been reported in the literature in individuals with DOCK2-related conditions. Algorithms developed to predict the effect of missense changes on protein structure and function (SIFT, PolyPhen-2, Align-GVGD) all suggest that this variant is likely to be tolerated, but these predictions have not been confirmed by published functional studies and their clinical significance is uncertain. Algorithms developed to predict the effect of sequence changes on RNA splicing suggest that this variant may create or strengthen a splice site, but this prediction has not been confirmed by published transcriptional studies. In summary, the available evidence is currently insufficient to determine the role of this variant in disease. Therefore, it has been classified as a Variant of Uncertain Significance.

NM_004946.3(DOCK2):c.5382C>G (p.Asp1794Glu)

Gene: DOCK2 (dedicator of cytokinesis 2; plus strand). Cytogenetic location: 5q35.1.
Variant type: single nucleotide variant.
Coding change: c.5382C>G on transcript NM_004946.3 (MANE Select); coding-DNA position 5382, C replaced by G.
Protein change: p.Asp1794Glu; replaces aspartic acid 1794 with glutamic acid.
Molecular consequence: missense variant. On other transcripts: non-coding transcript variant (1).
Genome position (GRCh38, 1-based): chr5:170,081,936, C>G. VCF-style: chr5-170081936-C-G. GRCh37 (hg19) VCF-style: chr5-169508940-C-G.
Other names: short protein forms D1794E.
Identifiers: ClinVar variation 1474745 (VCV001474745.6), dbSNP rs1758049874, ClinGen allele CA362119306.